The following is an entry in ClinVar:

NM_138927.4(SON):c.5483G>A (p.Arg1828His)

Gene: SON (SON DNA and RNA binding protein; plus strand). Cytogenetic location: 21q22.11.
Variant type: single nucleotide variant.
Coding change: c.5483G>A on transcript NM_138927.4 (MANE Select); coding-DNA position 5483, G replaced by A.
Protein change: p.Arg1828His; replaces arginine 1828 with histidine.
Molecular consequence: missense variant. On other transcripts: non-coding transcript variant (1), intron variant (1).
Genome position (GRCh38, 1-based): chr21:33,554,714, G>A. VCF-style: chr21-33554714-G-A. GRCh37 (hg19) VCF-style: chr21-34927020-G-A.
Other names: c.5483G>A, p.Arg1828His (NM_001291411.2, NM_001412133.1, NM_032195.3 and 2 more transcripts); c.245-2442G>A (NM_001291412.3); short protein forms R1828H.
Identifiers: ClinVar variation 2089830 (VCV002089830.4), dbSNP rs1363870144, ClinGen allele CA410164899.

ClinVar aggregate classification (germline): Uncertain significance (1 of 4 stars; one submission).

Allele frequency attached by ClinVar (database versions not stated): gnomAD exomes below 0.00001.
gnomAD v4.1: 6 of 1,613,856 alleles (0.00037%); highest among the groups gnomAD compares: Non-Finnish European, 0.00042%; no homozygotes.

Submission:

Labcorp Genetics (formerly Invitae), Labcorp
Classification: Uncertain significance. Last evaluated: 2023-06-14. Review status: criteria provided, single submitter. Criteria: Invitae Variant Classification Sherloc (09022015). Collection method: clinical testing. Allele origin: germline.
Comment: This variant has not been reported in the literature in individuals affected with SON-related conditions. This variant is present in population databases (no rsID available, gnomAD 0.004%). This sequence change replaces arginine, which is basic and polar, with histidine, which is basic and polar, at codon 1828 of the SON protein (p.Arg1828His). ClinVar contains an entry for this variant (Variation ID: 2089830). In summary, the available evidence is currently insufficient to determine the role of this variant in disease. Therefore, it has been classified as a Variant of Uncertain Significance. Experimental studies and prediction algorithms are not available or were not evaluated, and the functional significance of this variant is currently unknown.